The following is an entry in ClinVar:

ClinVar aggregate classification (germline): Conflicting classifications of pathogenicity. Review status: criteria provided, conflicting classifications (1 of 4 stars). 3 submissions from 3 submitters: Uncertain significance (2); Benign (1). Last evaluated 2024-02-01.

Conditions:
Inborn genetic diseases. Identifiers: MedGen C0950123, MeSH D030342.
PIEZO1-related disorder. Also called: PIEZO1-related condition; PIEZO1-Related Disorders.

Allele frequency attached by ClinVar (database versions not stated): gnomAD 0.00001; gnomAD exomes 0.00001; TOPMed 0.00002; ExAC 0.00009; 1000 Genomes Project 30x 0.00016; 1000 Genomes Project 0.00020.
gnomAD v4.1: 18 of 1,550,438 alleles (0.0012%); highest among the groups gnomAD compares: South Asian, 0.011%; no homozygotes.

Submissions (3):

Labcorp Genetics (formerly Invitae), Labcorp
Classification: Benign. Last evaluated: 2024-02-01. Review status: criteria provided, single submitter. Criteria: Invitae Variant Classification Sherloc (09022015). Collection method: clinical testing. Allele origin: germline.

PreventionGenetics, part of Exact Sciences
Classification: Uncertain significance for PIEZO1-related condition. Last evaluated: 2023-09-16. Review status: criteria provided, single submitter. Criteria: ACMG Guidelines, 2015. Collection method: clinical testing. Allele origin: germline.
Comment: The PIEZO1 c.5911G>A variant is predicted to result in the amino acid substitution p.Asp1971Asn. To our knowledge, this variant has not been reported in the literature. This variant is reported in 0.022% of alleles in individuals of South Asian descent in gnomAD. At this time, the clinical significance of this variant is uncertain due to the absence of conclusive functional and genetic evidence.

Ambry Genetics
Classification: Uncertain significance for Inborn genetic diseases. Last evaluated: 2023-06-06. Review status: criteria provided, single submitter. Criteria: Ambry Variant Classification Scheme 2023. Collection method: clinical testing. Allele origin: germline.

NM_001142864.4(PIEZO1):c.5911G>A (p.Asp1971Asn)

Gene: PIEZO1 (piezo type mechanosensitive ion channel component 1 (Er blood group); minus strand). Cytogenetic location: 16q24.3.
Variant type: single nucleotide variant.
Coding change: c.5911G>A on transcript NM_001142864.4 (MANE Select); coding-DNA position 5911, G replaced by A.
Protein change: p.Asp1971Asn; replaces aspartic acid 1971 with asparagine.
Molecular consequence: missense variant.
Genome position (GRCh38, 1-based): chr16:88,720,423, C>T on the plus strand (G>A on the coding strand, the complement: PIEZO1 is on the minus strand). VCF-style: chr16-88720423-C-T. GRCh37 (hg19) VCF-style: chr16-88786831-C-T.
Other names: c.4453G>A, p.Asp1485Asn (NM_014745.1); c.5911G>A (NM_001142864.3); short protein forms D1485N, D1971N.
Identifiers: ClinVar variation 2570486 (VCV002570486.5), dbSNP rs531711677, ClinGen allele CA8231740.